The following is an entry in ClinVar:

NM_000540.3(RYR1):c.8410A>T (p.Ile2804Phe)

Genes: RYR1 (ryanodine receptor 1; plus strand), LOC126862902 (BRD4-independent group 4 enhancer GRCh37_chr19:38995830-38997029; plus strand). Cytogenetic location: 19q13.2.
Variant type: single nucleotide variant.
Coding change: c.8410A>T on transcript NM_000540.3 (MANE Select); coding-DNA position 8410, A replaced by T.
Protein change: p.Ile2804Phe; replaces isoleucine 2804 with phenylalanine.
Molecular consequence: missense variant.
Genome position (GRCh38, 1-based): chr19:38,505,815, A>T. VCF-style: chr19-38505815-A-T. GRCh37 (hg19) VCF-style: chr19-38996455-A-T.
Other names: c.8410A>T, p.Ile2804Phe (NM_001042723.2); c.8410A>T (NM_000540.2); short protein forms I2804F.
Identifiers: ClinVar variation 1424696 (VCV001424696.9), dbSNP rs779475638, ClinGen allele CA072001.
Genomic context (GRCh38, chr19:38,505,815, plus strand): 5'-ACCCCTCTCTCATCCCATTCCACCAACTCCCCACCCTCCTGTCCACCCCAGGACAAAGAG[A>T]TTTACCGCTGGCCCATCAAGGAGTCCCTGAAGGCCATGATTGCCTGGGAATGGACGATAG-3'
Protein context (NP_000531.2, residues 2794-2814): YKTFSEKDKE[Ile2804Phe]YRWPIKESLK

ClinVar aggregate classification (germline): Uncertain significance. Review status: criteria provided, multiple submitters, no conflicts (2 of 4 stars). 4 submissions from 4 submitters: Uncertain significance (4). Last evaluated 2025-11-25.

Conditions:
RYR1-related disorder. Also called: RYR1-related disorders; RYR1-related condition. Identifiers: MedGen CN239331.
Malignant hyperthermia, susceptibility to, 1 (MHS1). Also called: Anesthesia related hyperthermia; Malignant hyperpyrexia; Fulminating hyperpyrexia; Pharmacogenic myopathy; Malignant hyperthermia suceptibility 1; RYR1-Related Malignant Hyperthermia Susceptibility. Identifiers: Orphanet 423, MedGen C2930980, MONDO:0007783, OMIM 145600.
Inborn genetic diseases. Identifiers: MedGen C0950123, MeSH D030342.

Allele frequency attached by ClinVar (database versions not stated): gnomAD 0.00001; TOPMed 0.00001; ExAC 0.00002.
gnomAD v4.1: 20 of 1,613,882 alleles (0.0012%); highest among the groups gnomAD compares: Admixed American, 0.0067%; no homozygotes.

Submissions (4):

Labcorp Genetics (formerly Invitae), Labcorp
Classification: Uncertain significance for RYR1-related disorder. Last evaluated: 2025-11-25. Review status: criteria provided, single submitter. Criteria: Invitae Variant Classification Sherloc (09022015). Collection method: clinical testing. Allele origin: germline.
Comment: This sequence change replaces isoleucine, which is neutral and non-polar, with phenylalanine, which is neutral and non-polar, at codon 2804 of the RYR1 protein (p.Ile2804Phe). This variant is present in population databases (rs779475638, gnomAD 0.009%). This variant has not been reported in the literature in individuals affected with RYR1-related conditions. ClinVar contains an entry for this variant (Variation ID: 1424696). Invitae Evidence Modeling of protein sequence and biophysical properties (such as structural, functional, and spatial information, amino acid conservation, physicochemical variation, residue mobility, and thermodynamic stability) indicates that this missense variant is not expected to disrupt RYR1 protein function with a negative predictive value of 80%. In summary, the available evidence is currently insufficient to determine the role of this variant in disease. Therefore, it has been classified as a Variant of Uncertain Significance.

Ambry Genetics
Classification: Uncertain significance for Inborn genetic diseases. Last evaluated: 2025-10-23. Review status: criteria provided, single submitter. Criteria: Ambry Variant Classification Scheme 2023. Collection method: clinical testing. Allele origin: germline.

Revvity Omics, Revvity
Classification: Uncertain significance. Last evaluated: 2025-06-26. Review status: criteria provided, single submitter. Criteria: ACMG Guidelines, 2015. Collection method: clinical testing. Allele origin: germline.

Color Diagnostics, LLC DBA Color Health
Classification: Uncertain significance for Malignant hyperthermia, susceptibility to, 1. Last evaluated: 2023-12-12. Review status: criteria provided, single submitter. Criteria: ACMG Guidelines, 2015. Collection method: clinical testing. Allele origin: germline.
Comment: This missense variant replaces isoleucine with phenylalanine at codon 2804 of the RYR1 protein. Computational prediction is inconclusive regarding the impact of this variant on protein structure and function. To our knowledge, functional studies have not been reported for this variant. This variant has not been reported in individuals affected with RYR1-related disorders in the literature. This variant has been identified in 5/251384 chromosomes in the general population by the Genome Aggregation Database (gnomAD). The available evidence is insufficient to determine the role of this variant in disease conclusively. Therefore, this variant is classified as a Variant of Uncertain Significance.